The following is an entry in ClinVar:

NM_001202.6(BMP4):c.739C>G (p.His247Asp)

Gene: BMP4 (bone morphogenetic protein 4; minus strand). Cytogenetic location: 14q22.2.
Variant type: single nucleotide variant.
Coding change: c.739C>G on transcript NM_001202.6 (MANE Select); coding-DNA position 739, C replaced by G.
Protein change: p.His247Asp; replaces histidine 247 with aspartic acid.
Molecular consequence: missense variant.
Genome position (GRCh38, 1-based): chr14:53,950,520, G>C on the plus strand (C>G on the coding strand, the complement: BMP4 is on the minus strand). VCF-style: chr14-53950520-G-C. GRCh37 (hg19) VCF-style: chr14-54417238-G-C.
Other names: c.880C>G, p.His294Asp (NM_001347912.1); c.550C>G, p.His184Asp (NM_001347913.2, NM_001347915.2, NM_001347917.1); c.739C>G, p.His247Asp (NM_001347914.2, NM_001347916.1, NM_130850.5 and 1 more transcripts); c.739C>G (NM_001202.3); short protein forms H184D, H247D, H294D.
Identifiers: ClinVar variation 3762080 (VCV003762080.3).

ClinVar aggregate classification (germline): Uncertain significance. Review status: criteria provided, multiple submitters, no conflicts (2 of 4 stars). 2 submissions from 2 submitters: Uncertain significance (2). Last evaluated 2025-07-02.

Conditions:
Microphthalmia with brain and digit anomalies (MCOPS6). Also called: Microphthalmia, syndromic 6; MICROPHTHALMIA AND PITUITARY ANOMALIES. Identifiers: Orphanet 139471, MedGen C1864689, MONDO:0011936, OMIM 607932.
Orofacial cleft 11 (OFC11). Also called: Orofacial cleft 11; ofc11; CLEFT LIP WITH OR WITHOUT CLEFT PALATE, NONSYNDROMIC, 11. Identifiers: MedGen C2677434, MONDO:0010906, OMIM 600625.
Inborn genetic diseases. Identifiers: MedGen C0950123, MeSH D030342.

gnomAD v4.1: 1 of 1,614,088 alleles (0.000062%); highest among the groups gnomAD compares: Admixed American, 0.0017%; no homozygotes.

Submissions (2):

Ambry Genetics
Classification: Uncertain significance for Inborn genetic diseases. Last evaluated: 2025-07-02. Review status: criteria provided, single submitter. Criteria: Ambry Variant Classification Scheme 2023. Collection method: clinical testing. Allele origin: germline.

Labcorp Genetics (formerly Invitae), Labcorp
Classification: Uncertain significance for Microphthalmia with brain and digit anomalies; Orofacial cleft 11. Last evaluated: 2024-06-11. Review status: criteria provided, single submitter. Criteria: Invitae Variant Classification Sherloc (09022015). Collection method: clinical testing. Allele origin: germline.
Comment: This sequence change replaces histidine, which is basic and polar, with aspartic acid, which is acidic and polar, at codon 247 of the BMP4 protein (p.His247Asp). This variant is not present in population databases (gnomAD no frequency). This variant has not been reported in the literature in individuals affected with BMP4-related conditions. An algorithm developed to predict the effect of missense changes on protein structure and function (PolyPhen-2) suggests that this variant is likely to be tolerated. In summary, the available evidence is currently insufficient to determine the role of this variant in disease. Therefore, it has been classified as a Variant of Uncertain Significance.